The following is an entry in ClinVar:

ClinVar aggregate classification (germline): Uncertain significance (1 of 4 stars; one submission).

Conditions:
Axenfeld-Rieger syndrome type 3 (RIEG3). Also called: AXENFELD-RIEGER ANOMALY WITH CARDIAC DEFECTS AND/OR SENSORINEURAL HEARING LOSS. Identifiers: Orphanet 782, MedGen C2678503, MONDO:0011233, OMIM 602482.

Allele frequency attached by ClinVar (database versions not stated): gnomAD exomes below 0.00001; gnomAD 0.00001; TOPMed 0.00001.

Submission:

Labcorp Genetics (formerly Invitae), Labcorp
Classification: Uncertain significance for Axenfeld-Rieger syndrome type 3. Last evaluated: 2020-02-17. Review status: criteria provided, single submitter. Criteria: Invitae Variant Classification Sherloc (09022015). Collection method: clinical testing. Allele origin: germline.
Comment: This sequence change replaces serine with leucine at codon 279 of the FOXC1 protein (p.Ser279Leu). The serine residue is highly conserved and there is a large physicochemical difference between serine and leucine. The frequency data for this variant in the population databases is considered unreliable, as metrics indicate insufficient coverage at this position in the ExAC database. This variant has not been reported in the literature in individuals with FOXC1-related conditions. Algorithms developed to predict the effect of missense changes on protein structure and function (SIFT, PolyPhen-2, Align-GVGD) all suggest that this variant is likely to be disruptive, but these predictions have not been confirmed by published functional studies and their clinical significance is uncertain. In summary, the available evidence is currently insufficient to determine the role of this variant in disease. Therefore, it has been classified as a Variant of Uncertain Significance.

NM_001453.3(FOXC1):c.836C>T (p.Ser279Leu)

Gene: FOXC1 (forkhead box C1; plus strand). Cytogenetic location: 6p25.3.
Variant type: single nucleotide variant.
Coding change: c.836C>T on transcript NM_001453.3 (MANE Select); coding-DNA position 836, C replaced by T.
Protein change: p.Ser279Leu; replaces serine 279 with leucine.
Molecular consequence: missense variant.
Genome position (GRCh38, 1-based): chr6:1,611,281, C>T. VCF-style: chr6-1611281-C-T. GRCh37 (hg19) VCF-style: chr6-1611516-C-T.
Other names: short protein forms S279L.
Identifiers: ClinVar variation 1024013 (VCV001024013.9), dbSNP rs1255472143, ClinGen allele CA362559676.